The following is an entry in ClinVar:

ClinVar aggregate classification (germline): Uncertain significance. Review status: criteria provided, single submitter (1 of 4 stars). 2 submissions from 2 submitters: Uncertain significance (1). 1 of the submissions does not count toward it. Last evaluated 2026-08-19.

Conditions:
Prostate cancer, hereditary, 1 (HPC1). Identifiers: Orphanet 1331, MedGen C4722327, MONDO:0011098, OMIM 601518.
Hereditary cancer-predisposing syndrome. Also called: Tumor predisposition; Hereditary Cancer Syndrome; Neoplastic Syndromes, Hereditary; Hereditary neoplastic syndrome. Identifiers: Orphanet 140162, MedGen C0027672, MeSH D009386, MONDO:0015356.

Submissions (2):

Ambry Genetics
Classification: Uncertain significance for Hereditary cancer-predisposing syndrome. Last evaluated: 2026-08-19. Review status: criteria provided, single submitter. Criteria: Ambry Variant Classification Scheme 2023. Collection method: clinical testing. Allele origin: germline.
Comment: The c.751delG variant, located in coding exon 2 of the HOXB13 gene, results from a deletion of one nucleotide at position 751, causing a translational frameshift with a predicted alternate stop codon (p.A251Qfs*28). This variant occurs at the 3' terminus of the gene and is not expected to trigger nonsense-mediated mRNA decay. Based on the available evidence, the clinical significance of this variant remains unclear.

Laboratory of Virology, Microbiology,  Quality and Medical Biotechnologies, Faculty of Sciences and Techniques - Mohammedia, Hassan II University of Casablanca
Classification: Uncertain significance for Prostate cancer, hereditary, 1. Review status: no assertion criteria provided. Collection method: clinical testing. Allele origin: somatic. Affected: yes. Not counted in ClinVar's aggregate classification.

NM_006361.6(HOXB13):c.751del (p.Ala251fs)

Gene: HOXB13 (homeobox B13; minus strand). Cytogenetic location: 17q21.32.
Variant type: Deletion.
Coding change: c.751del on transcript NM_006361.6 (MANE Select); coding-DNA position 751, one base deleted (G; older notation c.751delG).
Protein change: p.Ala251fs; shifts the reading frame from alanine 251.
Molecular consequence: frameshift variant.
Genome position (GRCh38, 1-based): chr17:48,726,894, C deleted on the plus strand (G on the coding strand, the reverse complement: HOXB13 is on the minus strand); the first of 2 consecutive C bases (chr17:48,726,894-48,726,895); deleting either gives the same sequence. VCF-style (leftmost placement, unchanged base first): chr17-48726893-GC-G. GRCh37 (hg19) VCF-style: chr17-46804255-GC-G.
Other names: c.751delG (NM_006361.5); short protein forms A251fs.
Identifiers: ClinVar variation 691181 (VCV000691181.5), dbSNP rs1597932670, ClinGen allele CA915950264.